The following is an entry in ClinVar:

ClinVar aggregate classification (germline): Uncertain significance (1 of 4 stars; one submission).

Submission:

Labcorp Genetics (formerly Invitae), Labcorp
Classification: Uncertain significance. Last evaluated: 2024-10-30. Review status: criteria provided, single submitter. Criteria: Invitae Variant Classification Sherloc (09022015). Collection method: clinical testing. Allele origin: germline.
Comment: This sequence change replaces alanine, which is neutral and non-polar, with valine, which is neutral and non-polar, at codon 104 of the TNNI3K protein (p.Ala104Val). This variant is not present in population databases (gnomAD no frequency). This variant has not been reported in the literature in individuals affected with TNNI3K-related conditions. Invitae Evidence Modeling of protein sequence and biophysical properties (such as structural, functional, and spatial information, amino acid conservation, physicochemical variation, residue mobility, and thermodynamic stability) indicates that this missense variant is not expected to disrupt TNNI3K protein function with a negative predictive value of 80%. In summary, the available evidence is currently insufficient to determine the role of this variant in disease. Therefore, it has been classified as a Variant of Uncertain Significance.

NM_015978.3(TNNI3K):c.311C>T (p.Ala104Val)

Genes: FPGT-TNNI3K (FPGT-TNNI3K readthrough; plus strand), TNNI3K (TNNI3 interacting kinase; plus strand). Cytogenetic location: 1p31.1.
Variant type: single nucleotide variant.
Coding change: c.311C>T on transcript NM_015978.3 (MANE Select); coding-DNA position 311, C replaced by T.
Protein change: p.Ala104Val; replaces alanine 104 with valine.
Molecular consequence: missense variant.
Genome position (GRCh38, 1-based): chr1:74,250,747, C>T. VCF-style: chr1-74250747-C-T. GRCh37 (hg19) VCF-style: chr1-74716431-C-T.
Other names: c.614C>T, p.Ala205Val (NM_001112808.3, NM_001199327.2); short protein forms A104V, A205V.
Identifiers: ClinVar variation 3627563 (VCV003627563.2).